The following is an entry in ClinVar:

ClinVar aggregate classification (germline): Pathogenic (1 of 4 stars; one submission).

Conditions:
Fetal akinesia deformation sequence 1 (FADS1). Also called: Pena-Shokeir syndrome type I; Fetal akinesia sequence. Identifiers: Orphanet 994, MedGen C1276035, MONDO:0100101, OMIM 208150, HP:0001989.
Congenital myasthenic syndrome 11. Also called: Myasthenic syndrome, congenital, 11, associated with acetylcholine receptor deficiency; MYASTHENIC SYNDROME, CONGENITAL, Ie. Identifiers: Orphanet 590, MedGen C4225367, MONDO:0014588, OMIM 616326.

Submission:

Labcorp Genetics (formerly Invitae), Labcorp
Classification: Pathogenic for Congenital myasthenic syndrome 11; Fetal akinesia deformation sequence 1. Last evaluated: 2022-10-28. Review status: criteria provided, single submitter. Criteria: Invitae Variant Classification Sherloc (09022015). Collection method: clinical testing. Allele origin: germline.
Comment: For these reasons, this variant has been classified as Pathogenic. This variant disrupts a region of the RAPSN protein in which other variant(s) (p.Thr396Profs*12) have been determined to be pathogenic (PMID: 26782015, 29054425). This suggests that this is a clinically significant region of the protein, and that variants that disrupt it are likely to be disease-causing. This variant has not been reported in the literature in individuals affected with RAPSN-related conditions. This variant is not present in population databases (gnomAD no frequency). This sequence change creates a premature translational stop signal (p.Cys390Alafs*18) in the RAPSN gene. While this is not anticipated to result in nonsense mediated decay, it is expected to disrupt the last 23 amino acid(s) of the RAPSN protein.

Literature cited by the submitters: PubMed 26782015; PubMed 29054425.

NM_005055.5(RAPSN):c.1168del (p.Cys390fs)

Gene: RAPSN (receptor associated protein of the synapse; minus strand). Cytogenetic location: 11p11.2.
Variant type: Deletion.
Coding change: c.1168del on transcript NM_005055.5 (MANE Select); coding-DNA position 1168, one base deleted (T; older notation c.1168delT).
Protein change: p.Cys390fs; shifts the reading frame from cysteine 390.
Molecular consequence: frameshift variant.
Genome position (GRCh38, 1-based): chr11:47,438,046, A deleted on the plus strand (T on the coding strand, the reverse complement: RAPSN is on the minus strand). VCF-style (leftmost placement, unchanged base first): chr11-47438045-CA-C. GRCh37 (hg19) VCF-style: chr11-47459596-CA-C.
Other names: c.991del, p.Cys331fs (NM_032645.5); short protein forms C331fs, C390fs.
Identifiers: ClinVar variation 2077373 (VCV002077373.4), dbSNP rs2496080892, ClinGen allele CA2580084179.